The following is an entry in ClinVar:

NM_000504.4(F10):c.8G>A (p.Arg3His)

Gene: F10 (coagulation factor X; plus strand). Cytogenetic location: 13q34.
Variant type: single nucleotide variant.
Coding change: c.8G>A on transcript NM_000504.4 (MANE Select); coding-DNA position 8, G replaced by A.
Protein change: p.Arg3His; replaces arginine 3 with histidine.
Molecular consequence: missense variant.
Genome position (GRCh38, 1-based): chr13:113,122,863, G>A. VCF-style: chr13-113122863-G-A. GRCh37 (hg19) VCF-style: chr13-113777177-G-A.
Other names: c.8G>A, p.Arg3His (NM_001312674.2, NM_001312675.2); short protein forms R3H.
Identifiers: ClinVar variation 4981116 (VCV004981116.1).
Genomic context (GRCh38, chr13:113,122,863, plus strand): 5'-TTGCTCCAGCAGCCTGTCCCAGTGAGGACAGGGACACAGTACTCGGCCACACCATGGGGC[G>A]CCCACTGCACCTCGTCCTGCTCAGTGCCTCCCTGGCTGGCCTCCTGCTGCTCGGGGAAAG-3'
Protein context (NP_000495.1, residues 1-13): MG[Arg3His]PLHLVLLSAS

ClinVar aggregate classification (germline): Uncertain significance (1 of 4 stars; one submission).

Conditions:
F10-related disorder. Also called: F10-related condition.

gnomAD v4.1: 25 of 1,610,428 alleles (0.0016%); highest among the groups gnomAD compares: Middle Eastern, 0.016%; no homozygotes.

Submission:

PreventionGenetics, part of Exact Sciences
Classification: Uncertain significance for F10-related condition. Last evaluated: 2025-07-03. Review status: criteria provided, single submitter. Criteria: ACMG Guidelines, 2015. Collection method: clinical testing. Allele origin: germline.
Comment: The F10 c.8G>A variant is predicted to result in the amino acid substitution p.Arg3His. To our knowledge, this variant has not been reported in the literature. This variant is reported in 0.015% of alleles in individuals of East Asian descent in gnomAD. At this time, the clinical significance of this variant is uncertain due to the absence of conclusive functional and genetic evidence.